The following is an entry in ClinVar:

ClinVar aggregate classification (germline): Uncertain significance (1 of 4 stars; one submission).

Conditions:
Neutropenia, severe congenital, 1, autosomal dominant. Identifiers: MedGen C1859966, MONDO:0042490, OMIM 202700.
Cyclical neutropenia. Also called: Cyclic hematopoiesis; Cyclic Neutropenia. Identifiers: Orphanet 2686, MedGen C0221023, MONDO:0008090, OMIM 162800, HP:0040289. Disease mechanism: loss of function.

Allele frequency attached by ClinVar (database versions not stated): ExAC 0.00001.

Submission:

Labcorp Genetics (formerly Invitae), Labcorp
Classification: Uncertain significance for Neutropenia, severe congenital, 1, autosomal dominant; Cyclical neutropenia. Last evaluated: 2026-02-02. Review status: criteria provided, single submitter. Criteria: Invitae Variant Classification Sherloc (09022015). Collection method: clinical testing. Allele origin: germline.
Comment: This sequence change replaces valine, which is neutral and non-polar, with leucine, which is neutral and non-polar, at codon 190 of the ELANE protein (p.Val190Leu). This variant is present in population databases (rs367663236, gnomAD 0.002%). This variant has not been reported in the literature in individuals affected with ELANE-related conditions. ClinVar contains an entry for this variant (Variation ID: 2949371). Invitae Evidence Modeling of protein sequence and biophysical properties (such as structural, functional, and spatial information, amino acid conservation, physicochemical variation, residue mobility, and thermodynamic stability) has been performed for this missense variant. However, the output from this modeling did not meet the statistical confidence thresholds required to predict the impact of this variant on ELANE protein function. In summary, the available evidence is currently insufficient to determine the role of this variant in disease. Therefore, it has been classified as a Variant of Uncertain Significance.

NM_001972.4(ELANE):c.568G>C (p.Val190Leu)

Gene: ELANE (elastase, neutrophil expressed; plus strand). Cytogenetic location: 19p13.3.
Variant type: single nucleotide variant.
Coding change: c.568G>C on transcript NM_001972.4 (MANE Select); coding-DNA position 568, G replaced by C.
Protein change: p.Val190Leu; replaces valine 190 with leucine.
Molecular consequence: missense variant.
Genome position (GRCh38, 1-based): chr19:855,765, G>C. VCF-style: chr19-855765-G-C. GRCh37 (hg19) VCF-style: chr19-855765-G-C.
Other names: short protein forms V190L.
Identifiers: ClinVar variation 2949371 (VCV002949371.3), dbSNP rs367663236, ClinGen allele CA9026095.